The following is an entry in ClinVar:

NM_016379.4(VCX3A):c.93G>A (p.Pro31=)

Genes: VCX3A (variable charge X-linked 3A; minus strand), LOC106029240 (S232-VCX3A recombination region; plus strand). Cytogenetic location: Xp22.31.
Variant type: single nucleotide variant.
Coding change: c.93G>A on transcript NM_016379.4 (MANE Select); coding-DNA position 93, G replaced by A.
Protein change: p.Pro31=; no amino-acid change (proline 31 retained).
Molecular consequence: synonymous variant.
Genome position (GRCh38, 1-based): chrX:6,534,405, C>T on the plus strand (G>A on the coding strand, the complement: VCX3A is on the minus strand). VCF-style: chrX-6534405-C-T. GRCh37 (hg19) VCF-style: chrX-6452446-C-T.
Identifiers: ClinVar variation 3042675 (VCV003042675.2), dbSNP rs757753567, ClinGen allele CA10341646.

ClinVar aggregate classification (germline): Likely benign (0 of 4 stars; one submission).

Conditions:
VCX3A-related disorder. Also called: VCX3A-related condition.

Allele frequency attached by ClinVar (database versions not stated): ExAC 0.00333.

Submission:

PreventionGenetics, part of Exact Sciences
Classification: Likely benign for VCX3A-related condition. Last evaluated: 2022-09-22. Review status: no assertion criteria provided. Collection method: clinical testing. Allele origin: germline.
Comment: This variant is classified as likely benign based on ACMG/AMP sequence variant interpretation guidelines (Richards et al. 2015 PMID: 25741868, with internal and published modifications).